The following is an entry in ClinVar:

NM_003590.5(CUL3):c.1947A>C (p.Lys649Asn)

Gene: CUL3 (cullin 3; minus strand). Cytogenetic location: 2q36.2.
Variant type: single nucleotide variant.
Coding change: c.1947A>C on transcript NM_003590.5 (MANE Select); coding-DNA position 1947, A replaced by C.
Protein change: p.Lys649Asn; replaces lysine 649 with asparagine.
Molecular consequence: missense variant.
Genome position (GRCh38, 1-based): chr2:224,481,974, T>G on the plus strand (A>C on the coding strand, the complement: CUL3 is on the minus strand). VCF-style: chr2-224481974-T-G. GRCh37 (hg19) VCF-style: chr2-225346691-T-G.
Other names: c.1749A>C, p.Lys583Asn (NM_001257197.2); c.1965A>C, p.Lys655Asn (NM_001257198.2); short protein forms K583N, K649N, K655N.
Identifiers: ClinVar variation 3376033 (VCV003376033.1).

ClinVar aggregate classification (germline): Uncertain significance (1 of 4 stars; one submission).

Submission:

GeneDx
Classification: Uncertain significance. Last evaluated: 2024-05-03. Review status: criteria provided, single submitter. Criteria: GeneDx Variant Classification Process June 2021. Collection method: clinical testing. Allele origin: germline. Affected: yes.
Comment: Not observed at significant frequency in large population cohorts (gnomAD); In silico analysis supports that this missense variant has a deleterious effect on protein structure/function; Has not been previously published as pathogenic or benign to our knowledge